The following is an entry in ClinVar:

ClinVar aggregate classification (germline): Pathogenic. Review status: criteria provided, multiple submitters, no conflicts (2 of 4 stars). 2 submissions from 2 submitters: Pathogenic (2). Last evaluated 2025-10-06.

Conditions:
Pheochromocytoma/paraganglioma syndrome 1. Also called: PARAGANGLIOMAS, FAMILIAL NONCHROMAFFIN, 1; PGL 1; Paragangliomas familial 1; PARAGANGLIOMATA; Paragangliomas 1; Glomus tumors familial 1. Identifiers: Orphanet 29072, MedGen C3494181, MONDO:0008192, OMIM 168000.
Hereditary cancer-predisposing syndrome. Also called: Tumor predisposition; Neoplastic Syndromes, Hereditary; Hereditary Cancer Syndrome; Hereditary neoplastic syndrome. Identifiers: Orphanet 140162, MedGen C0027672, MeSH D009386, MONDO:0015356.

Submissions (2):

Ambry Genetics
Classification: Pathogenic for Hereditary cancer-predisposing syndrome. Last evaluated: 2025-10-06. Review status: criteria provided, single submitter. Criteria: Ambry Variant Classification Scheme 2023. Collection method: clinical testing. Allele origin: germline.
Comment: The c.282_283delCC pathogenic mutation, located in coding exon 3 of the SDHD gene, results from a deletion of two nucleotides at nucleotide positions 282 to 283, causing a translational frameshift with a predicted alternate stop codon (p.L95Gfs*18). This alteration occurs at the 3' terminus of the gene, is not expected to trigger nonsense-mediated mRNA decay, and impacts the last 40% of the protein. However, premature stop codons are typically deleterious in nature, the impacted region is critical for protein function, and a significant portion of the protein is affected (Ambry internal data). This variant is considered to be rare based on population cohorts in the Genome Aggregation Database (gnomAD). Based on the supporting evidence, this variant is interpreted as a disease-causing mutation.

Myriad Genetics, Inc.
Classification: Pathogenic for Pheochromocytoma/paraganglioma syndrome 1. Last evaluated: 2025-02-07. Review status: criteria provided, single submitter. Criteria: Myriad Autosomal Dominant, Autosomal Recessive and X-Linked Classification Criteria (2023). Collection method: clinical testing. Allele origin: unknown.
Comment: This variant is considered pathogenic. This variant creates a frameshift predicted to result in premature protein truncation. This variant has been reported in multiple individuals with clinical features of gene-specific disease [PMID: 25300370, 18211978, 27856506, 21937622].

Literature cited by the submitters: PubMed 25300370 (cited by Myriad Genetics, Inc.); PubMed 18211978 (cited by Myriad Genetics, Inc.); PubMed 27856506 (cited by Myriad Genetics, Inc.); PubMed 21937622 (cited by Myriad Genetics, Inc.).

NM_003002.4(SDHD):c.282_283del (p.Leu95fs)

Gene: SDHD (succinate dehydrogenase complex subunit D; plus strand). Cytogenetic location: 11q23.1.
Variant type: Deletion.
Coding change: c.282_283del on transcript NM_003002.4 (MANE Select); coding-DNA positions 282 to 283, 2 bases deleted (CC; older notation c.282_283delCC).
Protein change: p.Leu95fs; shifts the reading frame from leucine 95.
Molecular consequence: frameshift variant. On other transcripts: non-coding transcript variant (1), intron variant (1).
Genome position (GRCh38, 1-based): chr11:112,088,979-112,088,980, CC deleted; deleting any 2 consecutive bases within chr11:112,088,978-112,088,980 gives the same sequence; the c. name uses the placement nearest the transcript's 3' end. VCF-style (leftmost placement, unchanged base first): chr11-112088977-TCC-T. GRCh37 (hg19) VCF-style: chr11-111959701-TCC-T.
Other names: c.165_166del, p.Leu56fs (NM_001276504.2); c.282_283del, p.Leu95fs (NM_001276506.2); c.169+1006_169+1007del (NM_001276503.2); c.282_283delCC (NM_003002.2); short protein forms L56fs, L95fs.
Identifiers: ClinVar variation 3904408 (VCV003904408.2).